The following continues an entry in ClinVar:

NM_004004.6(GJB2):c.551G>A (p.Arg184Gln)

Gene: GJB2. ClinVar aggregate classification (germline): Pathogenic/Likely pathogenic. Pathogenic (16); Likely pathogenic (2).

Submissions 10 to 24 of 24:

Athena Diagnostics
Classification: Pathogenic. Last evaluated: 2022-06-02. Review status: criteria provided, single submitter. Criteria: Athena Diagnostics Criteria. Collection method: clinical testing. Allele origin: unknown.
Comment: This variant segregates in multiple families with dominant nonsyndromic hearing loss and has been confirmed to occur de novo in individuals. This variant has also been reported heterozygous in at least one individual with syndromic hearing loss. At least one other missense variant at this codon is considered to be pathogenic or likely pathogenic, suggesting this variant may also cause disease. Computational tools yielded predictions that this variant may result in the gain of a cryptic splice site without affecting the natural splice sites. Assessment of experimental evidence suggests this variant results in abnormal protein function. Studies showed this variant impaired gap junction channels and demonstrated a dominant-negative effect (PMID: 20096356, 21040787).

Institute of Medical Genetics and Applied Genomics, University Hospital Tübingen
Classification: Pathogenic. Last evaluated: 2021-02-01. Review status: criteria provided, single submitter. Criteria: ACMG Guidelines, 2015. Collection method: clinical testing. Allele origin: germline. Inheritance: Autosomal dominant inheritance. Affected: yes.

Blueprint Genetics
Classification: Pathogenic for GJB2-related disorders. Last evaluated: 2020-03-09. Review status: criteria provided, single submitter. Criteria: ACMG Guidelines, 2015. Collection method: clinical testing. Allele origin: germline. Affected: yes. Observed: 1 variant allele.

ARUP Laboratories, Molecular Genetics and Genomics, ARUP Laboratories
Classification: Pathogenic. Last evaluated: 2019-05-28. Review status: criteria provided, single submitter. Criteria: ARUP Molecular Germline Variant Investigation Process. Collection method: clinical testing. Allele origin: germline.
Comment: The GJB2 c.551G>A; p.Arg184Gln variant (rs80338950) is reported in the literature in multiple individuals affected with autosomal dominant nonsyndromic hearing loss (Amritkumar 2018, Hamelmann 2001, Wang 2002), including several confirmed de novo cases (Huang 2011, Pang 2014). Functional analyses of the variant protein show a dominant negative effect on both connexin 26 and connexin 30 in vitro (Su 2010, Yum 2010, Zhang 2011). This variant is reported as pathogenic by multiple laboratories in ClinVar (Variation ID: 29662), and is absent from general population databases (Exome Variant Server, Genome Aggregation Database), indicating it is not a common polymorphism. The arginine at codon 184 is highly conserved, and computational analyses (SIFT, PolyPhen-2) predict that this variant is deleterious. Based on available information, this variant is considered to be pathogenic. References: Amritkumar P et al. Role of DFNB1 mutations in hereditary hearing loss among assortative mating hearing impaired families from South India. BMC Med Genet. 2018 Jun 19;19(1):105. Hamelmann C Pattern of connexin 26 (GJB2) mutations causing sensorineural hearing impairment in Ghana. Hum Mutat. 2001;18(1):84-5. Huang S et al. De novo dominant mutation of GJB2 in two Chinese families with nonsyndromic hearing loss. Int J Pediatr Otorhinolaryngol. 2011 Oct;75(10):1333-6. Pang X et al. Characterization of spectrum, de novo rate and genotype-phenotype correlation of dominant GJB2 mutations in Chinese hans. PLoS One. 2014 Jun 19;9(6):e100483. Su CC et al. Mutation R184Q of connexin 26 in hearing loss patients has a dominant-negative effect on connexin 26 and connexin 30. Eur J Hum Genet. 2010 Sep;18(9):1061-4. Wang YC et al. Mutations of Cx26 gene (GJB2) for prelingual deafness in Taiwan. Eur J Hum Genet. 2002 Aug;10(8):495-8. Yum SW et al. Dominant connexin26 mutants associated with human hearing loss have trans-dominant effects on connexin30. Neurobiol Dis. 2010 May;38(2):226-36. Zhang J et al. Dominant Cx26 mutants associated with hearing loss have dominant-negative effects on wild type Cx26. Mol Cell Neurosci. 2011 Jun;47(2):71-8.

Clinical Molecular Genetics Laboratory, Johns Hopkins All Children's Hospital
Classification: Pathogenic for Deafness, autosomal dominant 3a. Last evaluated: 2018-12-07. Review status: criteria provided, single submitter. Criteria: ACMG Guidelines, 2015. Collection method: clinical testing. Allele origin: germline. Inheritance: Autosomal dominant inheritance. Affected: yes. Observed: 1 heterozygote.

Laboratory for Molecular Medicine, Mass General Brigham Personalized Medicine
Classification: Pathogenic for Rare genetic deafness. Last evaluated: 2018-11-28. Review status: criteria provided, single submitter. Criteria: LMM Criteria. Collection method: clinical testing. Allele origin: germline. Inheritance: Autosomal dominant inheritance. Observed: 1 variant allele.
Comment: The p.Arg184Gln variant in GJB2 has been reported in >10 individuals with hearin g loss (Amritkumar 2018, de la luz Arenas-Sordo, Hamelmann 2001, Huang 2011, Mad ieh 2010, Minarik 2012, Pang 2014, Weegerink 2011). It has been identified as a de novo variant in 5 of these individuals (Huang 2011, Madieh 2010, Pang 2014). The variant segregated in a total of 7 affected family members, with two familie s displaying autosomal dominant inheritance (Hamelmann 2001, Pavithra 2017, Weeg erink). The third family had additional GJB2 variants (Gln124X and IVS1+1G>A) th at also segregated with p.Arg184Gln in the affected family members (Pavithra 201 7, Amritkumar 2018). This variant was absent from large population studies. In v itro functional studies also suggest that this variant colocalize and coimmunopr ecipitate with wild-type Cx26 and Cx30 and inhibits dye transfer (Yum 2010, Zhan g 2011). In summary, this variant meets criteria to be classified as pathogenic for autosomal dominant hearing loss. ACMG/AMP criteria applied: PS2_VeryStrong, PP1_Strong, PM2, PS4_Moderate, PP3, PS3_Supporting.

Genomic Diagnostic Laboratory, Division of Genomic Diagnostics, Children's Hospital of Philadelphia
Classification: Pathogenic for Deafness, autosomal dominant 3A. Last evaluated: 2017-05-09. Review status: criteria provided, single submitter. Criteria: DGD Variant Analysis Guidelines. Collection method: clinical testing. Allele origin: germline. Affected: yes. Observed: 1 variant allele.

Clinical Genetics and Genomics, Karolinska University Hospital
Classification: Pathogenic. Last evaluated: 2016-01-14. Review status: criteria provided, single submitter. Criteria: ACMG Guidelines, 2015. Collection method: clinical testing. Allele origin: germline. Affected: yes. Observed: 1 variant allele.

Genetic Services Laboratory, University of Chicago
Classification: Pathogenic for Hearing impairment. Last evaluated: 2013-02-08. Review status: criteria provided, single submitter. Criteria: ACMG Guidelines, 2007. Collection method: clinical testing. Allele origin: germline. Inheritance: Autosomal recessive inheritance. Affected: yes.

Molecular Genetics Laboratory, BC Children's and BC Women's Hospitals
Classification: Pathogenic for Nonsyndromic genetic hearing loss. Last evaluated: 2023-03-31. Review status: no assertion criteria provided. Criteria: ACMG Guidelines, 2015. Collection method: clinical testing. Allele origin: germline. Affected: yes. Not counted in ClinVar's aggregate classification.

Clinical Molecular Genetics Laboratory, Johns Hopkins All Children's Hospital
Classification: Pathogenic for Hearing loss. Last evaluated: 2014-04-07. Review status: no assertion criteria provided. Collection method: clinical testing. Allele origin: germline. Affected: yes. Not counted in ClinVar's aggregate classification.

OMIM
Classification: Pathogenic for DEAFNESS, AUTOSOMAL DOMINANT 3A. Last evaluated: 2010-09-01. Review status: no assertion criteria provided. Collection method: literature only. Allele origin: germline. Not counted in ClinVar's aggregate classification.

Clinical Genetics DNA and cytogenetics Diagnostics Lab, Erasmus MC, Erasmus Medical Center
Classification: Pathogenic. Review status: no assertion criteria provided. Collection method: clinical testing. Allele origin: germline. Affected: yes. Study: VKGL Data-share Consensus. Not counted in ClinVar's aggregate classification.

GeneReviews
No classification provided. Condition: Autosomal dominant nonsyndromic hearing loss 3A. Review status: no classification provided. Collection method: literature only. Allele origin: germline. Not counted in ClinVar's aggregate classification.

Joint Genome Diagnostic Labs from Nijmegen and Maastricht, Radboudumc and MUMC+
Classification: Pathogenic. Review status: no assertion criteria provided. Collection method: clinical testing. Allele origin: germline. Affected: yes. Study: VKGL Data-share Consensus. Not counted in ClinVar's aggregate classification.

Literature cited by the submitters: PubMed 20096356 (cited by 4 submitters); PubMed 20442751 (cited by 5 submitters); PubMed 21868108 (cited by 4 submitters); PubMed 11439000 (cited by 5 submitters); PubMed 12111646 (cited by 3 submitters); PubMed 24945352 (cited by 4 submitters); PubMed 31827275 (cited by Variantyx, Inc. and Athena Diagnostics); PubMed 35301649 (cited by 4 submitters); PubMed 31992338 (cited by Variantyx, Inc. and Athena Diagnostics); PubMed 32455934 (cited by Variantyx, Inc. and Athena Diagnostics); PubMed 28428247 (cited by Victorian Clinical Genetics Services, Murdoch Childrens Research Institute); PubMed 12792423 (cited by Victorian Clinical Genetics Services, Murdoch Childrens Research Institute and Women's Health and Genetics/Laboratory Corporation of America, LabCorp); PubMed 31160754 (cited by Victorian Clinical Genetics Services, Murdoch Childrens Research Institute); PubMed 20301449 (cited by Victorian Clinical Genetics Services, Murdoch Childrens Research Institute); PubMed 38486023 (cited by Victorian Clinical Genetics Services, Murdoch Childrens Research Institute); PubMed 17666888 (cited by Women's Health and Genetics/Laboratory Corporation of America, LabCorp); PubMed 20937258 (cited by 3 submitters); PubMed 22925408 (cited by Women's Health and Genetics/Laboratory Corporation of America, LabCorp and Laboratory for Molecular Medicine, Mass General Brigham Personalized Medicine); PubMed 29921236 (cited by Athena Diagnostics and Laboratory for Molecular Medicine, Mass General Brigham Personalized Medicine); PubMed 32645618 (cited by Athena Diagnostics); PubMed 21040787 (cited by Athena Diagnostics and Laboratory for Molecular Medicine, Mass General Brigham Personalized Medicine); PubMed 21510145 (cited by Athena Diagnostics and Laboratory for Molecular Medicine, Mass General Brigham Personalized Medicine); PubMed 27481527 (cited by Athena Diagnostics and Laboratory for Molecular Medicine, Mass General Brigham Personalized Medicine); PubMed 27534436 (cited by Laboratory for Molecular Medicine, Mass General Brigham Personalized Medicine); PubMed 25388846 (cited by Laboratory for Molecular Medicine, Mass General Brigham Personalized Medicine); PubMed 25162826 (cited by Laboratory for Molecular Medicine, Mass General Brigham Personalized Medicine); PubMed 29140768 (cited by Laboratory for Molecular Medicine, Mass General Brigham Personalized Medicine); PubMed 22281373 (cited by Laboratory for Molecular Medicine, Mass General Brigham Personalized Medicine); NCBI Bookshelf NBK1536 (cited by GeneReviews).